The following is an entry in ClinVar:

ClinVar aggregate classification (germline): Uncertain significance. Review status: criteria provided, multiple submitters, no conflicts (2 of 4 stars). 2 submissions from 2 submitters: Uncertain significance (2). Last evaluated 2024-02-17.

Allele frequency attached by ClinVar (database versions not stated): gnomAD exomes below 0.00001.
gnomAD v4.1: 6 of 1,614,170 alleles (0.00037%); highest among the groups gnomAD compares: South Asian, 0.0022%; no homozygotes.

Submissions (2):

Labcorp Genetics (formerly Invitae), Labcorp
Classification: Uncertain significance. Last evaluated: 2024-02-17. Review status: criteria provided, single submitter. Criteria: Invitae Variant Classification Sherloc (09022015). Collection method: clinical testing. Allele origin: germline.
Comment: This sequence change replaces proline, which is neutral and non-polar, with leucine, which is neutral and non-polar, at codon 614 of the COL2A1 protein (p.Pro614Leu). This variant is not present in population databases (gnomAD no frequency). This variant has not been reported in the literature in individuals affected with COL2A1-related conditions. ClinVar contains an entry for this variant (Variation ID: 938368). Advanced modeling of protein sequence and biophysical properties (such as structural, functional, and spatial information, amino acid conservation, physicochemical variation, residue mobility, and thermodynamic stability) performed at Invitae indicates that this missense variant is not expected to disrupt COL2A1 protein function with a negative predictive value of 95%. In summary, the available evidence is currently insufficient to determine the role of this variant in disease. Therefore, it has been classified as a Variant of Uncertain Significance.

Blueprint Genetics
Classification: Uncertain significance. Last evaluated: 2022-11-02. Review status: criteria provided, single submitter. Criteria: ACMG Guidelines, 2015. Collection method: clinical testing. Allele origin: germline.

NM_001844.5(COL2A1):c.1841C>T (p.Pro614Leu)

Gene: COL2A1 (collagen type II alpha 1 chain; minus strand). Cytogenetic location: 12q13.11.
Variant type: single nucleotide variant.
Coding change: c.1841C>T on transcript NM_001844.5 (MANE Select); coding-DNA position 1841, C replaced by T.
Protein change: p.Pro614Leu; replaces proline 614 with leucine.
Molecular consequence: missense variant.
Genome position (GRCh38, 1-based): chr12:47,984,592, G>A on the plus strand (C>T on the coding strand, the complement: COL2A1 is on the minus strand). VCF-style: chr12-47984592-G-A. GRCh37 (hg19) VCF-style: chr12-48378375-G-A.
Other names: c.1634C>T, p.Pro545Leu (NM_033150.3); short protein forms P545L, P614L.
Identifiers: ClinVar variation 938368 (VCV000938368.10), dbSNP rs1939283478, ClinGen allele CA384549542.
Genomic context (GRCh38, chr12:47,984,592, plus strand): 5'-GGAAGGATACTTACCCTCAGACCAGGAGCACCAGGCAGTCCCTTCTCACCAGCTTTGCCA[G>A]GCTCACCCTGAAGGAAAGAGAGGGCAGGGCCATGAGGCGGATGGTTTGGGAGGGAGTTGG-3'
Protein context (NP_001835.3, residues 604-624): FPGPKGANGE[Pro614Leu]GKAGEKGLPG